The following is an entry in ClinVar:

NM_015346.4(ZFYVE26):c.4348G>T (p.Val1450Phe)

Gene: ZFYVE26 (zinc finger FYVE-type containing 26; minus strand). Cytogenetic location: 14q24.1.
Variant type: single nucleotide variant.
Coding change: c.4348G>T on transcript NM_015346.4 (MANE Select); coding-DNA position 4348, G replaced by T.
Protein change: p.Val1450Phe; replaces valine 1450 with phenylalanine.
Molecular consequence: missense variant.
Genome position (GRCh38, 1-based): chr14:67,782,804, C>A on the plus strand (G>T on the coding strand, the complement: ZFYVE26 is on the minus strand). VCF-style: chr14-67782804-C-A. GRCh37 (hg19) VCF-style: chr14-68249521-C-A.
Other names: c.4348G>T (NM_015346.3); short protein forms V1450F.
Identifiers: ClinVar variation 1966326 (VCV001966326.7), dbSNP rs141378243, ClinGen allele CA7239792.

ClinVar aggregate classification (germline): Uncertain significance. Review status: criteria provided, multiple submitters, no conflicts (2 of 4 stars). 5 submissions from 5 submitters: Uncertain significance (5). Last evaluated 2025-06-30.

Conditions:
Inborn genetic diseases. Identifiers: MedGen C0950123, MeSH D030342.
Spastic paraplegia. Identifiers: MedGen C0037772, HP:0001258.
Hereditary spastic paraplegia 15 (SPG15). Also called: SPASTIC PARAPLEGIA 15, AUTOSOMAL RECESSIVE; KJELLIN SYNDROME; SPASTIC PARAPLEGIA AND RETINAL DEGENERATION. Identifiers: Orphanet 100996, MedGen C1849128, MONDO:0010044, OMIM 270700.

Allele frequency attached by ClinVar (database versions not stated): gnomAD 0.00003; ExAC 0.00005; TOPMed 0.00007; gnomAD exomes 0.00010; ESP Exome Variant Server 0.00023.
gnomAD v4.1: 157 of 1,614,128 alleles (0.0097%); highest among the groups gnomAD compares: Non-Finnish European, 0.013%; no homozygotes.

Submissions (5):

Athena Diagnostics
Classification: Uncertain significance. Last evaluated: 2025-06-30. Review status: criteria provided, single submitter. Criteria: Athena Diagnostics Criteria. Collection method: clinical testing. Allele origin: unknown.
Comment: Available data are insufficient to determine the clinical significance of the variant at this time. The frequency of this variant in the general population is uninformative in assessment of its pathogenicity. Polyphen and MutationTaster yielded discordant predictions regarding whether this amino acid change is damaging to the protein.

GeneDx
Classification: Uncertain significance. Last evaluated: 2025-04-07. Review status: criteria provided, single submitter. Criteria: GeneDx Variant Classification Process June 2021. Collection method: clinical testing. Allele origin: germline. Affected: yes.
Comment: Not observed at significant frequency in large population cohorts (gnomAD); In silico analysis indicates that this missense variant does not alter protein structure/function; Has not been previously published as pathogenic or benign to our knowledge

Ambry Genetics
Classification: Uncertain significance for Inborn genetic diseases. Last evaluated: 2024-12-10. Review status: criteria provided, single submitter. Criteria: Ambry Variant Classification Scheme 2023. Collection method: clinical testing. Allele origin: germline.

Revvity Omics, Revvity
Classification: Uncertain significance for Hereditary spastic paraplegia 15. Last evaluated: 2023-02-03. Review status: criteria provided, single submitter. Criteria: ACMG Guidelines, 2015. Collection method: clinical testing. Allele origin: germline.

Labcorp Genetics (formerly Invitae), Labcorp
Classification: Uncertain significance for Spastic paraplegia. Last evaluated: 2022-08-09. Review status: criteria provided, single submitter. Criteria: Invitae Variant Classification Sherloc (09022015). Collection method: clinical testing. Allele origin: germline.
Comment: This sequence change replaces valine, which is neutral and non-polar, with phenylalanine, which is neutral and non-polar, at codon 1450 of the ZFYVE26 protein (p.Val1450Phe). This variant is present in population databases (rs141378243, gnomAD 0.01%). This variant has not been reported in the literature in individuals affected with ZFYVE26-related conditions. Algorithms developed to predict the effect of missense changes on protein structure and function (SIFT, PolyPhen-2, Align-GVGD) all suggest that this variant is likely to be tolerated. In summary, the available evidence is currently insufficient to determine the role of this variant in disease. Therefore, it has been classified as a Variant of Uncertain Significance.